The following is an entry in ClinVar:

ClinVar aggregate classification (germline): Pathogenic (1 of 4 stars; one submission).

Conditions:
Mitochondrial DNA depletion syndrome 9 (MTDPS9). Also called: SUCLG1-Related Mitochondrial DNA Depletion Syndrome, Encephalomyopathic Form with Methylmalonic Aciduria. Identifiers: Orphanet 17, MedGen C3151476, MONDO:0009504, OMIM 245400.

Submission:

Labcorp Genetics (formerly Invitae), Labcorp
Classification: Pathogenic for Mitochondrial DNA depletion syndrome 9. Last evaluated: 2025-07-15. Review status: criteria provided, single submitter. Criteria: Invitae Variant Classification Sherloc (09022015). Collection method: clinical testing. Allele origin: germline.
Comment: This sequence change creates a premature translational stop signal (p.Asn130Lysfs*37) in the SUCLG1 gene. It is expected to result in an absent or disrupted protein product. Loss-of-function variants in SUCLG1 are known to be pathogenic (PMID: 20693550). This variant is not present in population databases (gnomAD no frequency). This variant has not been reported in the literature in individuals affected with SUCLG1-related conditions. For these reasons, this variant has been classified as Pathogenic.

Literature cited by the submitters: PubMed 20693550.

NM_003849.4(SUCLG1):c.390_393del (p.Asn130fs)

Gene: SUCLG1 (succinate-CoA ligase GDP/ADP-forming subunit alpha; minus strand). Cytogenetic location: 2p11.2.
Variant type: Deletion.
Coding change: c.390_393del on transcript NM_003849.4 (MANE Select); coding-DNA positions 390 to 393, 4 bases deleted (TGAA; older notation c.390_393delTGAA).
Protein change: p.Asn130fs; shifts the reading frame from asparagine 130.
Molecular consequence: frameshift variant.
Genome position (GRCh38, 1-based): chr2:84,441,385-84,441,388, TTCA deleted on the plus strand (TGAA on the coding strand, the reverse complement: SUCLG1 is on the minus strand); deleting any 4 consecutive bases within chr2:84,441,385-84,441,390 gives the same sequence; the c. name uses the placement nearest the transcript's 3' end. VCF-style (leftmost placement, unchanged base first): chr2-84441384-CTTCA-C. GRCh37 (hg19) VCF-style: chr2-84668508-CTTCA-C.
Other names: short protein forms N130fs.
Identifiers: ClinVar variation 4712015 (VCV004712015.1).